The following is an entry in ClinVar:

ClinVar aggregate classification (germline): Pathogenic/Likely pathogenic. Review status: criteria provided, multiple submitters, no conflicts (2 of 4 stars). 2 submissions from 2 submitters: Pathogenic (1); Likely pathogenic (1). Last evaluated 2025-10-08.

Conditions:
Hereditary pheochromocytoma and paraganglioma. Also called: Hereditary Paraganglioma-Pheochromocytoma Syndromes; Hereditary paragangliomas and pheochromocytomas; Hereditary pheochromocytoma-paraganglioma. Identifiers: Orphanet 29072, MedGen C4274332, MONDO:0017366.

Submissions (2):

Labcorp Genetics (formerly Invitae), Labcorp
Classification: Likely pathogenic for Hereditary pheochromocytoma and paraganglioma. Last evaluated: 2025-10-08. Review status: criteria provided, single submitter. Criteria: Invitae Variant Classification Sherloc (09022015). Collection method: clinical testing. Allele origin: germline.
Comment: This sequence change creates a premature translational stop signal (p.Tyr178Leufs*48) in the TMEM127 gene. While this is not anticipated to result in nonsense mediated decay, it is expected to disrupt the last 61 amino acid(s) of the TMEM127 protein. This variant is not present in population databases (gnomAD no frequency). This premature translational stop signal has been observed in individual(s) with clinical features of paraganglioma-pheochromocytoma syndrome (PMID: 28384794, 28855235; internal data). ClinVar contains an entry for this variant (Variation ID: 421874). Algorithms developed to predict the effect of variants on gene product structure and function are not available or were not evaluated for this variant. Experimental studies have shown that this premature translational stop signal affects TMEM127 function (PMID: 28855235). This variant disrupts the C-terminus of the TMEM127 protein. Other variant(s) that disrupt this region (p.Ala186Argfs*44) have been observed in individuals with TMEM127-related conditions (PMID: 28384794; internal data). This suggests that this may be a clinically significant region of the protein. In summary, the currently available evidence indicates that the variant is pathogenic, but additional data are needed to prove that conclusively. Therefore, this variant has been classified as Likely Pathogenic.

GeneDx
Classification: Pathogenic. Last evaluated: 2023-09-25. Review status: criteria provided, single submitter. Criteria: GeneDx Variant Classification Process June 2021. Collection method: clinical testing. Allele origin: germline. Affected: yes.
Comment: Published functional studies demonstrate a damaging effect: variant results in diffuse subcellular localization and significantly reduced protein expression (Deng et al., 2017; Deng et al., 2018; Flores et al., 2020); Frameshift variant predicted to result in protein truncation, as the last 61 amino acids are replaced with 47 different amino acids, and other loss-of-function variants have been reported downstream in HGMD; Not observed at significant frequency in large population cohorts (gnomAD); This variant is associated with the following publications: (PMID: 28384794, 28855235, 32575117, 21156949, 29547888)

Literature cited by the submitters: PubMed 28384794 (cited by Labcorp Genetics (formerly Invitae), Labcorp); PubMed 28855235 (cited by Labcorp Genetics (formerly Invitae), Labcorp).

NM_017849.4(TMEM127):c.532dup (p.Tyr178fs)

Gene: TMEM127 (transmembrane protein 127; minus strand). Cytogenetic location: 2q11.2.
Variant type: Duplication.
Coding change: c.532dup on transcript NM_017849.4 (MANE Select); coding-DNA position 532, one base duplicated (T; older notation c.532dupT).
Protein change: p.Tyr178fs; shifts the reading frame from tyrosine 178.
Molecular consequence: frameshift variant.
Genome position (GRCh38, 1-based): chr2:96,253,993, A duplicated on the plus strand (T on the coding strand, the reverse complement: TMEM127 is on the minus strand). VCF-style (leftmost placement, unchanged base first): chr2-96253992-T-TA. GRCh37 (hg19) VCF-style: chr2-96919730-T-TA.
Other names: c.532dupT (NM_017849.3); c.532dup, p.Tyr178fs (NM_001193304.3); short protein forms Y178fs.
Identifiers: ClinVar variation 421874 (VCV000421874.11), dbSNP rs1553436874, ClinGen allele CA16617773.